The following is an entry in ClinVar:

NM_000059.4(BRCA2):c.7635T>A (p.Val2545=)

Gene: BRCA2 (BRCA2 DNA repair associated; plus strand). Cytogenetic location: 13q13.1.
Variant type: single nucleotide variant.
Coding change: c.7635T>A on transcript NM_000059.4 (MANE Select); coding-DNA position 7635, T replaced by A.
Protein change: p.Val2545=; no amino-acid change (valine 2545 retained).
Molecular consequence: synonymous variant.
Genome position (GRCh38, 1-based): chr13:32,357,759, T>A. VCF-style: chr13-32357759-T-A. GRCh37 (hg19) VCF-style: chr13-32931896-T-A.
Identifiers: ClinVar variation 427432 (VCV000427432.10), dbSNP rs770465089, ClinGen allele CA6941126.
Genomic context (GRCh38, chr13:32,357,759, plus strand): 5'-CTTTAAATTGTTTTTCTTTTTTGTGTGTGTTTATTTTGTGTAGCTGTATACGTATGGCGT[T>A]TCTAAACATTGCATAAAAATTAACAGCAAAAATGCAGAGTCTTTTCAGTTTCACACTGAA-3'
Protein context (NP_000050.3, residues 2535-2555): CSHKQLYTYG[Val2545=]SKHCIKINSK

ClinVar aggregate classification (germline): Likely benign. Review status: reviewed by expert panel (3 of 4 stars). 3 submissions from 3 submitters: Likely benign (1). 2 of the submissions do not count toward it. Last evaluated 2017-06-29.

Conditions:
Hereditary cancer-predisposing syndrome. Also called: Hereditary neoplastic syndrome; Hereditary Cancer Syndrome; Neoplastic Syndromes, Hereditary; Tumor predisposition. Identifiers: Orphanet 140162, MedGen C0027672, MeSH D009386, MONDO:0015356.
Breast-ovarian cancer, familial, susceptibility to, 2 (BROVCA2). Also called: BRCA2 Hereditary Breast and Ovarian Cancer. Identifiers: Orphanet 145, MedGen C2675520, MONDO:0012933, OMIM 612555. Disease mechanism: loss of function.
Hereditary breast ovarian cancer syndrome. Also called: Hereditary breast and ovarian cancer syndrome; BRCA1- and BRCA2-Associated Hereditary Breast and Ovarian Cancer; Hereditary breast and/or ovarian cancer syndrome; Hereditary breast and ovarian cancer; Breast and ovarian cancer; Hereditary breast and ovarian cancer syndrome (HBOC). Identifiers: Orphanet 145, MedGen C0677776, MeSH D061325, MONDO:0003582. Disease mechanism: loss of function.

Allele frequency attached by ClinVar (database versions not stated): gnomAD exomes below 0.00001; ExAC 0.00001.

Submissions (3):

Evidence-based Network for the Interpretation of Germline Mutant Alleles (ENIGMA)
Classification: Likely benign for Breast-ovarian cancer, familial, susceptibility to, 2. Last evaluated: 2017-06-29. Review status: reviewed by expert panel. Criteria: ENIGMA BRCA1/2 Classification Criteria (2017-06-29). Collection method: curation. Allele origin: germline.
Comment: Synonymous substitution variant, with low bioinformatic likelihood to result in a splicing aberration (Splicing prior probability 0.02).

Labcorp Genetics (formerly Invitae), Labcorp
Classification: Likely benign for Hereditary breast ovarian cancer syndrome. Last evaluated: 2025-07-31. Review status: criteria provided, single submitter. Criteria: Invitae Variant Classification Sherloc (09022015). Collection method: clinical testing. Allele origin: germline. Not counted in ClinVar's aggregate classification.

Ambry Genetics
Classification: Likely benign for Hereditary cancer-predisposing syndrome. Last evaluated: 2016-05-05. Review status: criteria provided, single submitter. Criteria: Ambry Variant Classification Scheme 2023. Collection method: clinical testing. Allele origin: germline. Not counted in ClinVar's aggregate classification.